The following is an entry in ClinVar:

ClinVar aggregate classification (germline): Benign (1 of 4 stars; one submission).

Conditions:
Peroxisome biogenesis disorder 11A (Zellweger). Also called: Peroxisome biogenesis disorder 11A. Identifiers: Orphanet 912, MedGen C3554000, MONDO:0013949, OMIM 614883.

Allele frequency attached by ClinVar (database versions not stated): 1000 Genomes Project 30x 0.02592; gnomAD 0.02136 and 0.02272; TOPMed 0.02435; 1000 Genomes Project 0.02536.

Submission:

Illumina Laboratory Services, Illumina
Classification: Benign for Peroxisome biogenesis disorder 11A (Zellweger). Last evaluated: 2018-01-13. Review status: criteria provided, single submitter. Criteria: ICSL Variant Classification Criteria 13 December 2019. Collection method: clinical testing. Allele origin: germline.
Comment: This variant was observed in the ICSL laboratory as part of a predisposition screen in an ostensibly healthy population. It had not been previously curated by ICSL or reported in the Human Gene Mutation Database (HGMD: prior to June 1st, 2018), and was therefore a candidate for classification through an automated scoring system. Utilizing variant allele frequency, disease prevalence and penetrance estimates, and inheritance mode, an automated score was calculated to assess if this variant is too frequent to cause the disease. Based on the score and internal cut-off values, a variant classified as benign is not then subjected to further curation. The score for this variant resulted in a classification of benign for this disease.

NM_002618.4(PEX13):c.*775G>A

Gene: PEX13 (peroxisomal biogenesis factor 13; plus strand). Cytogenetic location: 2p15.
Variant type: single nucleotide variant.
Coding change: c.*775G>A on transcript NM_002618.4 (MANE Select); 775 bases downstream of the stop codon, G replaced by A.
Molecular consequence: 3 prime UTR variant.
Genome position (GRCh38, 1-based): chr2:61,049,545, G>A. VCF-style: chr2-61049545-G-A. GRCh37 (hg19) VCF-style: chr2-61276680-G-A.
Identifiers: ClinVar variation 336681 (VCV000336681.5), dbSNP rs143032208, ClinGen allele CA10615645.